The following is an entry in ClinVar:

ClinVar aggregate classification (germline): Benign (1 of 4 stars; one submission).

Allele frequency attached by ClinVar (database versions not stated): 1000 Genomes Project 30x 0.17942; 1000 Genomes Project 0.18051; TOPMed 0.20805; gnomAD 0.21857 and 0.21893.
gnomAD v4.1: 33,350 of 152,070 alleles (22%); highest among the groups gnomAD compares: Non-Finnish European, 29%; 4,528 homozygotes.

Submission:

GeneDx
Classification: Benign. Last evaluated: 2018-06-14. Review status: criteria provided, single submitter. Criteria: GeneDx Variant Classification (06012015). Collection method: clinical testing. Allele origin: germline. Affected: yes.
Comment: This variant is considered likely benign or benign based on one or more of the following criteria: it is a conservative change, it occurs at a poorly conserved position in the protein, it is predicted to be benign by multiple in silico algorithms, and/or has population frequency not consistent with disease.

NM_006567.5(FARS2):c.612+323C>T

Genes: FARS2 (phenylalanyl-tRNA synthetase 2, mitochondrial; plus strand), LOC126859565 (CDK7 strongly-dependent group 2 enhancer GRCh37_chr6:5368745-5369944; plus strand). Cytogenetic location: 6p25.1.
Variant type: single nucleotide variant.
Coding change: c.612+323C>T on transcript NM_006567.5 (MANE Select); 323 bases into the intron after coding-DNA position 612, C replaced by T.
Molecular consequence: intron variant.
Genome position (GRCh38, 1-based): chr6:5,369,505, C>T. VCF-style: chr6-5369505-C-T. GRCh37 (hg19) VCF-style: chr6-5369738-C-T.
Other names: c.612+323C>T (NM_001374878.1, NM_001318872.2, NM_001374877.1 and 5 more transcripts); c.-340-27128C>T (NM_001375260.1); c.-84-35037C>T (NM_001375259.1).
Identifiers: ClinVar variation 680571 (VCV000680571.1), dbSNP rs9405829, ClinGen allele CA12438687.
Genomic context (GRCh38, chr6:5,369,505, plus strand): 5'-CATTCTCTGGGTTACTTCTTATGAATGGAGAATAGTCTGTGGCTCAAATTCACCTTTAAT[C>T]CAGGATGGCTGAAGGTGCAACATGGAAACCTGTGGTCAGGTCATTCTTAATTCTGTTAGG-3'